The following is an entry in ClinVar:

ClinVar aggregate classification (germline): Likely pathogenic (1 of 4 stars; one submission).

Submission:

GeneDx
Classification: Likely pathogenic. Last evaluated: 2019-03-07. Review status: criteria provided, single submitter. Criteria: GeneDx Variant Classification Process June 2021. Collection method: clinical testing. Allele origin: germline. Affected: yes.
Comment: Nonsense variant predicted to result in protein truncation or nonsense mediated decay in a gene for which loss-of-function is a known mechanism of disease; Not observed in large population cohorts (Lek et al., 2016); Has not been previously published as pathogenic or benign to our knowledge

NM_001267550.2(TTN):c.50619G>A (p.Trp16873Ter)

Genes: TTN (titin; minus strand), TTN-AS1 (TTN antisense RNA 1; plus strand). Cytogenetic location: 2q31.2.
Variant type: single nucleotide variant.
Coding change: c.50619G>A on transcript NM_001267550.2 (MANE Select); coding-DNA position 50619, G replaced by A.
Protein change: p.Trp16873Ter; replaces tryptophan 16873 with a stop codon.
Molecular consequence: nonsense.
Genome position (GRCh38, 1-based): chr2:178,611,610, C>T on the plus strand (G>A on the coding strand, the complement: TTN is on the minus strand). VCF-style: chr2-178611610-C-T. GRCh37 (hg19) VCF-style: chr2-179476337-C-T.
Other names: c.45696G>A, p.Trp15232Ter (NM_001256850.1); c.23424G>A, p.Trp7808Ter (NM_003319.4); c.42915G>A, p.Trp14305Ter (NM_133378.4); c.23799G>A, p.Trp7933Ter (NM_133432.3); c.24000G>A, p.Trp8000Ter (NM_133437.4); short protein forms W15232*, W16873*, W14305*, W7933*, W8000*, W7808*.
Identifiers: ClinVar variation 432138 (VCV000432138.3), dbSNP rs1553696411, ClinGen allele CA349595023.
Genomic context (GRCh38, chr2:178,611,610, plus strand): 5'-TGGACACATTTCAACATGGTATCCTATGATAGGACTTCCACCATTTTTCTCTGGAGGCTT[C>T]CAAGCAATGGCAATGTGTTTTCTCCCAGCATCAGTCACATGTAGGTCAAGGGGTGGTGAG-3'